The following is an entry in ClinVar:

ClinVar aggregate classification (germline): Uncertain significance (1 of 4 stars; one submission).

Conditions:
Fanconi anemia complementation group J. Also called: BRIP1-Related Fanconi Anemia. Identifiers: Orphanet 84, MedGen C1836860, MONDO:0012187, OMIM 609054.
Familial cancer of breast. Also called: Hereditary breast cancer; BREAST CANCER, FAMILIAL; hereditary breast carcinoma. Identifiers: Orphanet 227535, MedGen C0346153, MONDO:0016419, OMIM 114480. Disease mechanism: loss of function.

Submission:

Labcorp Genetics (formerly Invitae), Labcorp
Classification: Uncertain significance for Familial cancer of breast; Fanconi anemia complementation group J. Last evaluated: 2021-07-28. Review status: criteria provided, single submitter. Criteria: Invitae Variant Classification Sherloc (09022015). Collection method: clinical testing. Allele origin: germline.
Comment: In summary, the available evidence is currently insufficient to determine the role of this variant in disease. Therefore, it has been classified as a Variant of Uncertain Significance. Algorithms developed to predict the effect of missense changes on protein structure and function are either unavailable or do not agree on the potential impact of this missense change (SIFT: "Tolerated"; PolyPhen-2: "Probably Damaging"; Align-GVGD: "Class C0"). This variant has not been reported in the literature in individuals affected with BRIP1-related conditions. This variant is not present in population databases (ExAC no frequency). This sequence change replaces histidine with glutamine at codon 870 of the BRIP1 protein (p.His870Gln). The histidine residue is highly conserved and there is a small physicochemical difference between histidine and glutamine.

NM_032043.3(BRIP1):c.2610C>G (p.His870Gln)

Gene: BRIP1 (BRCA1 interacting DNA helicase 1; minus strand). Cytogenetic location: 17q23.2.
Variant type: single nucleotide variant.
Coding change: c.2610C>G on transcript NM_032043.3 (MANE Select); coding-DNA position 2610, C replaced by G.
Protein change: p.His870Gln; replaces histidine 870 with glutamine.
Molecular consequence: missense variant.
Genome position (GRCh38, 1-based): chr17:61,686,131, G>C on the plus strand (C>G on the coding strand, the complement: BRIP1 is on the minus strand). VCF-style: chr17-61686131-G-C. GRCh37 (hg19) VCF-style: chr17-59763492-G-C.
Other names: short protein forms H870Q.
Identifiers: ClinVar variation 1370561 (VCV001370561.7), dbSNP rs2144117805, ClinGen allele CA400481947.
Genomic context (GRCh38, chr17:61,686,131, plus strand): 5'-TTTTTGATGCTTTTTGGAAAATTCAGCCAAGGATTCCAGTGCACTTTCAAAGGTTGAATG[G>C]TGCTGAATCTGCTGCCGTACCCATTTAGAAAGTCCTAAAGAAAAAGGTAAACCCAGGGAA-3'
Protein context (NP_114432.2, residues 860-880): LSKWVRQQIQ[His870Gln]HSTFESALES